The following is an entry in ClinVar:

ClinVar aggregate classification (germline): Likely pathogenic (1 of 4 stars; one submission).

Conditions:
Autosomal recessive nonsyndromic hearing loss 84B. Also called: Deafness, autosomal recessive 84b. Identifiers: Orphanet 90636, MedGen C3554159, MONDO:0013984, OMIM 614944.

Submission:

Juno Genomics, Hangzhou Juno Genomics, Inc
Classification: Likely pathogenic for Autosomal recessive nonsyndromic hearing loss 84B. Review status: criteria provided, single submitter. Criteria: ACMG Guidelines, 2015. Collection method: clinical testing. Allele origin: germline. Affected: yes.
Comment: Absent from controls (or at extremely low frequency if recessive) in Genome Aggregation Database, Exome Sequencing Project, 1000 Genomes Project, or Exome Aggregation Consortium.;Null variant in a gene where loss of function (LOF) is a known mechanism of disease.

NM_001378609.3(OTOGL):c.1325_1329delinsT (p.Asn442fs)

Gene: OTOGL (otogelin like; plus strand). Cytogenetic location: 12q21.31.
Variant type: Indel.
Coding change: c.1325_1329delinsT on transcript NM_001378609.3 (MANE Select); coding-DNA positions 1325 to 1329, ATTGC replaced by T.
Protein change: p.Asn442fs; shifts the reading frame from asparagine 442.
Molecular consequence: frameshift variant.
Genome position (GRCh38, 1-based): chr12:80,253,505-80,253,509, ATTGC replaced by T. VCF-style: chr12-80253505-ATTGC-T. GRCh37 (hg19) VCF-style: chr12-80647285-ATTGC-T.
Other names: c.1325_1329delinsT, p.Asn442fs (NM_001368062.3, NM_001378610.3, NM_173591.7); short protein forms N442fs.
Identifiers: ClinVar variation 3383002 (VCV003383002.2).